The following is an entry in ClinVar:

ClinVar aggregate classification (germline): Uncertain significance (1 of 4 stars; one submission).

Submission:

GeneDx
Classification: Uncertain significance. Last evaluated: 2024-09-03. Review status: criteria provided, single submitter. Criteria: GeneDx Variant Classification Process June 2021. Collection method: clinical testing. Allele origin: germline. Affected: yes.
Comment: Reported as p.(H1188Y) using alternate nomenclature in a patient with intellectual disability in published literature; however, no further clinical or segregation information was provided (PMID: 32369273); Not observed at significant frequency in large population cohorts (gnomAD); In silico analysis supports that this missense variant has a deleterious effect on protein structure/function; This variant is associated with the following publications: (PMID: 32369273)

NM_001170629.2(CHD8):c.4399C>T (p.His1467Tyr)

Gene: CHD8 (chromodomain helicase DNA binding protein 8; minus strand). Cytogenetic location: 14q11.2.
Variant type: single nucleotide variant.
Coding change: c.4399C>T on transcript NM_001170629.2 (MANE Select); coding-DNA position 4399, C replaced by T.
Protein change: p.His1467Tyr; replaces histidine 1467 with tyrosine.
Molecular consequence: missense variant.
Genome position (GRCh38, 1-based): chr14:21,400,584, G>A on the plus strand (C>T on the coding strand, the complement: CHD8 is on the minus strand). VCF-style: chr14-21400584-G-A. GRCh37 (hg19) VCF-style: chr14-21868743-G-A.
Other names: c.3562C>T, p.His1188Tyr (NM_020920.4); short protein forms H1188Y, H1467Y.
Identifiers: ClinVar variation 3766091 (VCV003766091.1).